The following is an entry in ClinVar:

NM_000368.5(TSC1):c.-99C>T

Gene: TSC1 (TSC complex subunit 1; minus strand). Cytogenetic location: 9q34.13.
Variant type: single nucleotide variant.
Coding change: c.-99C>T on transcript NM_000368.5 (MANE Select); 99 bases upstream of the start codon, C replaced by T.
Molecular consequence: 5 prime UTR variant.
Genome position (GRCh38, 1-based): chr9:132,935,051, G>A on the plus strand (C>T on the coding strand, the complement: TSC1 is on the minus strand). VCF-style: chr9-132935051-G-A. GRCh37 (hg19) VCF-style: chr9-135810438-G-A.
Other names: c.-99C>T (NM_001162426.2, NM_001162427.2); c.-358C>T (NM_001362177.2).
Identifiers: ClinVar variation 137727 (VCV000137727.6), dbSNP rs114755636, ClinGen allele CA008524.

ClinVar aggregate classification (germline): Benign. Review status: criteria provided, multiple submitters, no conflicts (2 of 4 stars). 4 submissions from 3 submitters: Benign (4). Last evaluated 2019-11-01.

Conditions:
Isolated focal cortical dysplasia type II (FCORD2). Also called: Focal cortical dysplasia type II; CORTICAL DYSPLASIA OF TAYLOR. Identifiers: Orphanet 268994, MedGen C1846385, MONDO:0011818, OMIM 607341, HP:0032051.
Tuberous sclerosis 1 (TSC1). Identifiers: Orphanet 805, MedGen C1854465, MONDO:0008612, OMIM 191100.

Allele frequency attached by ClinVar (database versions not stated): gnomAD exomes 0.00041; gnomAD 0.00324 and 0.00347; TOPMed 0.00367; 1000 Genomes Project 0.00419; 1000 Genomes Project 30x 0.00437.
gnomAD v4.1: 608 of 399,048 alleles (0.15%); highest among the groups gnomAD compares: African/African-American, 1.1%; 4 homozygotes.

Submissions (4):

Athena Diagnostics
Classification: Benign. Last evaluated: 2019-11-01. Review status: criteria provided, single submitter. Criteria: Athena Diagnostics Criteria. Collection method: clinical testing. Allele origin: unknown.

Illumina Laboratory Services, Illumina
Classification: Benign for Isolated focal cortical dysplasia type II. Last evaluated: 2018-01-13. Review status: criteria provided, single submitter. Criteria: ICSL Variant Classification Criteria 13 December 2019. Collection method: clinical testing. Allele origin: germline.
Comment: This variant was observed in the ICSL laboratory as part of a predisposition screen in an ostensibly healthy population. It had not been previously curated by ICSL or reported in the Human Gene Mutation Database (HGMD: prior to June 1st, 2018), and was therefore a candidate for classification through an automated scoring system. Utilizing variant allele frequency, disease prevalence and penetrance estimates, and inheritance mode, an automated score was calculated to assess if this variant is too frequent to cause the disease. Based on the score and internal cut-off values, a variant classified as benign is not then subjected to further curation. The score for this variant resulted in a classification of benign for this disease.

Illumina Laboratory Services, Illumina
Classification: Benign for Tuberous sclerosis 1. Last evaluated: 2018-01-13. Review status: criteria provided, single submitter. Criteria: ICSL Variant Classification Criteria 13 December 2019. Collection method: clinical testing. Allele origin: germline.
Comment: the same text as in the submission from Illumina Laboratory Services, Illumina above.

GeneDx
Classification: Benign. Last evaluated: 2013-12-23. Review status: criteria provided, single submitter. Criteria: GeneDx Variant Classification (06012015). Collection method: clinical testing. Allele origin: germline. Affected: yes.
Comment: This variant is considered likely benign or benign based on one or more of the following criteria: it is a conservative change, it occurs at a poorly conserved position in the protein, it is predicted to be benign by multiple in silico algorithms, and/or has population frequency not consistent with disease.